The following is an entry in ClinVar:

ClinVar aggregate classification (germline): Uncertain significance (1 of 4 stars; one submission).

Conditions:
Charcot-Marie-Tooth disease type 4. Also called: Charcot-Marie-Tooth disease, type IV; Charcot-Marie-Tooth, Type 4. Identifiers: Orphanet 64749, MedGen C4082197, MONDO:0018995.

Submission:

Labcorp Genetics (formerly Invitae), Labcorp
Classification: Uncertain significance for Charcot-Marie-Tooth disease type 4. Last evaluated: 2021-01-18. Review status: criteria provided, single submitter. Criteria: Invitae Variant Classification Sherloc (09022015). Collection method: clinical testing. Allele origin: germline.
Comment: In summary, the available evidence is currently insufficient to determine the role of this variant in disease. Therefore, it has been classified as a Variant of Uncertain Significance. Algorithms developed to predict the effect of missense changes on protein structure and function (SIFT, PolyPhen-2, Align-GVGD) all suggest that this variant is likely to be tolerated, but these predictions have not been confirmed by published functional studies and their clinical significance is uncertain. This variant has not been reported in the literature in individuals with FGD4-related conditions. This variant is not present in population databases (ExAC no frequency). This sequence change replaces glycine with serine at codon 745 of the FGD4 protein (p.Gly745Ser). The glycine residue is weakly conserved and there is a small physicochemical difference between glycine and serine.

NM_001370298.3(FGD4):c.2644G>A (p.Gly882Ser)

Gene: FGD4 (FYVE, RhoGEF and PH domain containing 4; plus strand). Cytogenetic location: 12p11.21.
Variant type: single nucleotide variant.
Coding change: c.2644G>A on transcript NM_001370298.3 (MANE Select); coding-DNA position 2644, G replaced by A.
Protein change: p.Gly882Ser; replaces glycine 882 with serine.
Molecular consequence: missense variant. On other transcripts: intron variant (3).
Genome position (GRCh38, 1-based): chr12:32,640,465, G>A. VCF-style: chr12-32640465-G-A. GRCh37 (hg19) VCF-style: chr12-32793399-G-A.
Other names: c.2488G>A, p.Gly830Ser (NM_001304481.2); c.1201G>A, p.Gly401Ser (NM_001304484.2); c.1954G>A, p.Gly652Ser (NM_001330373.2, NM_001330374.2, NM_001384130.1); c.1681G>A, p.Gly561Ser (NM_001370297.1); c.2233G>A, p.Gly745Ser (NM_001385118.1, NM_139241.3); c.2632+12G>A (NM_001384126.1); c.2221+12G>A (NM_001384127.1, NM_001384128.1); short protein forms G401S, G561S, G882S, G652S, G745S, G830S.
Identifiers: ClinVar variation 1475132 (VCV001475132.8), dbSNP rs775920519, ClinGen allele CA384372768.